The following is an entry in ClinVar:

NM_001365536.1(SCN9A):c.4774+5G>A

Genes: SCN9A (sodium voltage-gated channel alpha subunit 9; minus strand), SCN1A-AS1 (SCN1A and SCN9A antisense RNA 1; plus strand). Cytogenetic location: 2q24.3.
Variant type: single nucleotide variant.
Coding change: c.4774+5G>A on transcript NM_001365536.1 (MANE Select); 5 bases into the intron after coding-DNA position 4774, G replaced by A.
Molecular consequence: intron variant.
Genome position (GRCh38, 1-based): chr2:166,203,950, C>T on the plus strand (G>A on the coding strand, the complement: SCN9A is on the minus strand). VCF-style: chr2-166203950-C-T. GRCh37 (hg19) VCF-style: chr2-167060460-C-T.
Other names: c.4741+5G>A (NM_002977.4).
Identifiers: ClinVar variation 3756528 (VCV003756528.2).

ClinVar aggregate classification (germline): Uncertain significance (1 of 4 stars; one submission).

Conditions:
Neuropathy, hereditary sensory and autonomic, type 2A (HSAN2A). Also called: MORVAN DISEASE; NEUROPATHY, CONGENITAL SENSORY; NEUROPATHY, HEREDITARY SENSORY RADICULAR, AUTOSOMAL RECESSIVE; NEUROPATHY, HEREDITARY SENSORY, TYPE IIA; NEUROPATHY, PROGRESSIVE SENSORY, OF CHILDREN; ACROOSTEOLYSIS, GIACCAI TYPE. Identifiers: Orphanet 970, MedGen C2752089, MONDO:0024309, OMIM 201300.
Generalized epilepsy with febrile seizures plus, type 7 (GEFSP7). Also called: GEFS+, TYPE 7. Identifiers: Orphanet 36387, MedGen C2751778, MONDO:0013470, OMIM 613863.

Submission:

Labcorp Genetics (formerly Invitae), Labcorp
Classification: Uncertain significance for Neuropathy, hereditary sensory and autonomic, type 2A; Generalized epilepsy with febrile seizures plus, type 7. Last evaluated: 2024-05-24. Review status: criteria provided, single submitter. Criteria: Invitae Variant Classification Sherloc (09022015). Collection method: clinical testing. Allele origin: germline.
Comment: This sequence change falls in intron 26 of the SCN9A gene. It does not directly change the encoded amino acid sequence of the SCN9A protein. It affects a nucleotide within the consensus splice site. This variant is not present in population databases (gnomAD no frequency). This variant has not been reported in the literature in individuals affected with SCN9A-related conditions. Variants that disrupt the consensus splice site are a relatively common cause of aberrant splicing (PMID: 17576681, 9536098). Algorithms developed to predict the effect of sequence changes on RNA splicing suggest that this variant may disrupt the consensus splice site. In summary, the available evidence is currently insufficient to determine the role of this variant in disease. Therefore, it has been classified as a Variant of Uncertain Significance.

Literature cited by the submitters: PubMed 17576681; PubMed 9536098.